The following is an entry in ClinVar:

ClinVar aggregate classification (germline): Pathogenic (1 of 4 stars; one submission).

Conditions:
LAMA2-related muscular dystrophy (LAMA2-RD). Also called: Laminin alpha 2-related dystrophy. Identifiers: MedGen C5679788, MONDO:0100228.

Submission:

Myriad Genetics, Inc.
Classification: Pathogenic for LAMA2-related muscular dystrophy. Last evaluated: 2024-08-10. Review status: criteria provided, single submitter. Criteria: Myriad Autosomal Dominant, Autosomal Recessive and X-Linked Classification Criteria (2023). Collection method: clinical testing. Allele origin: unknown.
Comment: NM_000426.3(LAMA2):c.2459delC(P820Qfs*5) is expected to be pathogenic in the context of muscular dystrophy, LAMA2-related. This variant is predicted to lead to an abnormal or absent protein product due to the creation of a premature termination codon in LAMA2, a gene where loss-of-function variants are known to be pathogenic. Please note: this variant was assessed in the context of healthy population screening.

NM_000426.4(LAMA2):c.2459del (p.Pro820fs)

Gene: LAMA2 (laminin subunit alpha 2; plus strand). Cytogenetic location: 6q22.33.
Variant type: Deletion.
Coding change: c.2459del on transcript NM_000426.4 (MANE Select); coding-DNA position 2459, one base deleted (C; older notation c.2459delC).
Protein change: p.Pro820fs; shifts the reading frame from proline 820.
Molecular consequence: frameshift variant.
Genome position (GRCh38, 1-based): chr6:129,280,069, C deleted; the last of 3 consecutive C bases (chr6:129,280,067-129,280,069); deleting any one gives the same sequence. VCF-style (leftmost placement, unchanged base first): chr6-129280066-GC-G. GRCh37 (hg19) VCF-style: chr6-129601211-GC-G.
Other names: c.2459del, p.Pro820fs (NM_001079823.2); short protein forms P820fs.
Identifiers: ClinVar variation 5013437 (VCV005013437.1).